The following is an entry in ClinVar:

ClinVar aggregate classification (germline): Uncertain significance (1 of 4 stars; one submission).

Submission:

GeneDx
Classification: Uncertain significance. Last evaluated: 2026-04-19. Review status: criteria provided, single submitter. Criteria: GeneDx Variant Classification Process June 2021. Collection method: clinical testing. Allele origin: germline.
Comment: Not observed at significant frequency in large population cohorts (gnomAD); Loss-of-function variant in the 5' region of the gene where loss-of-function has not been definitively established as a disease mechanism (PMID: 28179641); Has not been previously published as pathogenic or benign to our knowledge; This variant is associated with the following publications: (PMID: 28179641)

NM_001372044.2(SHANK3):c.1057dup (p.Ala353fs)

Gene: SHANK3 (SH3 and multiple ankyrin repeat domains 3; plus strand). Cytogenetic location: 22q13.33.
Variant type: Duplication.
Coding change: c.1057dup on transcript NM_001372044.2 (MANE Select); coding-DNA position 1057, one base duplicated (G; older notation c.1057dupG).
Protein change: p.Ala353fs; shifts the reading frame from alanine 353.
Molecular consequence: frameshift variant.
Genome position (GRCh38, 1-based): chr22:50,679,375, G duplicated; the last of 5 consecutive G bases (chr22:50,679,371-50,679,375); duplicating any one gives the same sequence. VCF-style (leftmost placement, unchanged base first): chr22-50679370-T-TG. GRCh37 (hg19) VCF-style: chr22-51117798-T-TG.
Other names: c.832dup (NM_033517.1); short protein forms A353fs.
Identifiers: ClinVar variation 5037409 (VCV005037409.1).